The following is an entry in ClinVar:

ClinVar aggregate classification (germline): Uncertain significance (1 of 4 stars; one submission).

Conditions:
Hereditary breast ovarian cancer syndrome. Also called: Hereditary breast and ovarian cancer syndrome; BRCA1- and BRCA2-Associated Hereditary Breast and Ovarian Cancer; Hereditary breast and ovarian cancer; Hereditary breast and ovarian cancer syndrome (HBOC); Hereditary breast and/or ovarian cancer syndrome; Breast and ovarian cancer. Identifiers: Orphanet 145, MedGen C0677776, MeSH D061325, MONDO:0003582. Disease mechanism: loss of function.

Submission:

Labcorp Genetics (formerly Invitae), Labcorp
Classification: Uncertain significance for Hereditary breast ovarian cancer syndrome. Last evaluated: 2025-05-12. Review status: criteria provided, single submitter. Criteria: Invitae Variant Classification Sherloc (09022015). Collection method: clinical testing. Allele origin: germline.
Comment: This sequence change replaces valine, which is neutral and non-polar, with leucine, which is neutral and non-polar, at codon 733 of the BRCA2 protein (p.Val733Leu). This variant is not present in population databases (gnomAD no frequency). This variant has not been reported in the literature in individuals affected with BRCA2-related conditions. ClinVar contains an entry for this variant (Variation ID: 2724999). Invitae Evidence Modeling of protein sequence and biophysical properties (such as structural, functional, and spatial information, amino acid conservation, physicochemical variation, residue mobility, and thermodynamic stability) indicates that this missense variant is not expected to disrupt BRCA2 protein function with a negative predictive value of 95%. In summary, the available evidence is currently insufficient to determine the role of this variant in disease. Therefore, it has been classified as a Variant of Uncertain Significance.

NM_000059.4(BRCA2):c.2197G>C (p.Val733Leu)

Gene: BRCA2 (BRCA2 DNA repair associated; plus strand). Cytogenetic location: 13q13.1.
Variant type: single nucleotide variant.
Coding change: c.2197G>C on transcript NM_000059.4 (MANE Select); coding-DNA position 2197, G replaced by C.
Protein change: p.Val733Leu; replaces valine 733 with leucine.
Molecular consequence: missense variant. On other transcripts: non-coding transcript variant (1), intron variant (2).
Genome position (GRCh38, 1-based): chr13:32,336,552, G>C. VCF-style: chr13-32336552-G-C. GRCh37 (hg19) VCF-style: chr13-32910689-G-C.
Other names: c.2197G>C, p.Val733Leu (NM_001406719.1, NM_001406720.1); c.1909+3165G>C (NM_001406721.1); c.424+5522G>C (NM_001406722.1); short protein forms V733L.
Identifiers: ClinVar variation 2724999 (VCV002724999.3), dbSNP rs876658303, ClinGen allele CA387770480.